The following is an entry in ClinVar:

NM_032119.4(ADGRV1):c.18741G>A (p.Gly6247=)

Gene: ADGRV1 (adhesion G protein-coupled receptor V1; plus strand). Cytogenetic location: 5q14.3.
Variant type: single nucleotide variant.
Coding change: c.18741G>A on transcript NM_032119.4 (MANE Select); coding-DNA position 18741, G replaced by A.
Protein change: p.Gly6247=; no amino-acid change (glycine 6247 retained).
Molecular consequence: synonymous variant. On other transcripts: non-coding transcript variant (1).
Genome position (GRCh38, 1-based): chr5:91,153,337, G>A. VCF-style: chr5-91153337-G-A. GRCh37 (hg19) VCF-style: chr5-90449154-G-A.
Other names: p.G6247G:GGG>GGA; p.Gly6247=.
Identifiers: ClinVar variation 46300 (VCV000046300.23), dbSNP rs13158963, ClinGen allele CA138082.
Genomic context (GRCh38, chr5:91,153,337, plus strand): 5'-TTTAAAGCCAAGTCCACAAAATGGAGCCACGTTCCCGTCCTCTGGAGGATATGGCCAGGG[G>A]TCACTGATAGCCGATGAGGAGTCCCAGGAGTTTGATGATTTAATATTTGCATTAAAAACT-3'
Protein context (NP_115495.3, residues 6237-6257): TFPSSGGYGQ[Gly6247=]SLIADEESQE

ClinVar aggregate classification (germline): Benign. Review status: criteria provided, multiple submitters, no conflicts (2 of 4 stars). 8 submissions from 8 submitters: Benign (7). 1 of the submissions does not count toward it. Last evaluated 2026-02-04.

Conditions:
Usher syndrome type 2C. Also called: Usher syndrome, type 2B; USHER SYNDROME, TYPE IIC. Identifiers: Orphanet 231178, Orphanet 886, MedGen C2931213, MONDO:0011558, OMIM 605472.
Febrile seizures, familial, 4 (FEB4). Also called: CONVULSIONS, FAMILIAL FEBRILE, 4. Identifiers: MedGen C1858493, MONDO:0011443, OMIM 604352.

Allele frequency attached by ClinVar (database versions not stated): gnomAD exomes 0.11224 and 0.11747; gnomAD 0.11513; TOPMed 0.11604; ESP Exome Variant Server 0.11756; ExAC 0.12752; 1000 Genomes Project 30x 0.13429; 1000 Genomes Project 0.13818.
gnomAD v4.1: 182,146 of 1,611,782 alleles (11%); highest among the groups gnomAD compares: South Asian, 18%; 11,031 homozygotes.

Submissions (8):

Labcorp Genetics (formerly Invitae), Labcorp
Classification: Benign. Last evaluated: 2026-02-04. Review status: criteria provided, single submitter. Criteria: Invitae Variant Classification Sherloc (09022015). Collection method: clinical testing. Allele origin: germline.

Mayo Clinic Laboratories, Mayo Clinic
Classification: Benign. Last evaluated: 2022-04-17. Review status: criteria provided, single submitter. Criteria: ACMG Guidelines, 2015. Collection method: clinical testing. Allele origin: germline. Observed: 25 variant alleles.

Fulgent Genetics
Classification: Benign for Febrile seizures, familial, 4; Usher syndrome type 2C. Last evaluated: 2021-09-08. Review status: criteria provided, single submitter. Criteria: ACMG Guidelines, 2015. Collection method: clinical testing. Allele origin: unknown.

Illumina Laboratory Services, Illumina
Classification: Benign for Usher syndrome type 2C. Last evaluated: 2018-01-12. Review status: criteria provided, single submitter. Criteria: ICSL Variant Classification Criteria 13 December 2019. Collection method: clinical testing. Allele origin: germline.
Comment: This variant was observed in the ICSL laboratory as part of a predisposition screen in an ostensibly healthy population. It had not been previously curated by ICSL or reported in the Human Gene Mutation Database (HGMD: prior to June 1st, 2018), and was therefore a candidate for classification through an automated scoring system. Utilizing variant allele frequency, disease prevalence and penetrance estimates, and inheritance mode, an automated score was calculated to assess if this variant is too frequent to cause the disease. Based on the score and internal cut-off values, a variant classified as benign is not then subjected to further curation. The score for this variant resulted in a classification of benign for this disease.

PreventionGenetics, part of Exact Sciences
Classification: Benign. Last evaluated: 2016-02-26. Review status: criteria provided, single submitter. Criteria: ACMG Guidelines, 2015. Collection method: clinical testing. Allele origin: germline.

GeneDx
Classification: Benign. Last evaluated: 2013-03-07. Review status: criteria provided, single submitter. Criteria: GeneDx Variant Classification (06012015). Collection method: clinical testing. Allele origin: germline. Affected: yes.
Comment: This variant is considered likely benign or benign based on one or more of the following criteria: it is a conservative change, it occurs at a poorly conserved position in the protein, it is predicted to be benign by multiple in silico algorithms, and/or has population frequency not consistent with disease.

Laboratory for Molecular Medicine, Mass General Brigham Personalized Medicine
Classification: Benign. Last evaluated: 2009-06-19. Review status: criteria provided, single submitter. Criteria: LMM Criteria. Collection method: clinical testing. Allele origin: germline. Observed: 464 variant alleles.

Genetic Services Laboratory, University of Chicago
Classification: Likely benign. Review status: no assertion criteria provided. Collection method: clinical testing. Allele origin: germline. Inheritance: Autosomal dominant inheritance. Not counted in ClinVar's aggregate classification.
Comment: Likely benign based on allele frequency in 1000 Genomes Project or ESP global frequency and its presence in a patient with a rare or unrelated disease phenotype. NOT Sanger confirmed